The following is an entry in ClinVar:

NM_000642.3(AGL):c.3807dup (p.Arg1270Ter)

Gene: AGL (amylo-alpha-1,6-glucosidase and 4-alpha-glucanotransferase; plus strand). Cytogenetic location: 1p21.2.
Variant type: Duplication.
Coding change: c.3807dup on transcript NM_000642.3 (MANE Select); coding-DNA position 3807, one base duplicated (T; older notation c.3807dupT).
Protein change: p.Arg1270Ter; replaces arginine 1270 with a stop codon.
Molecular consequence: nonsense. On other transcripts: frameshift variant (10).
Genome position (GRCh38, 1-based): chr1:99,910,818, T duplicated. VCF-style (leftmost placement, unchanged base first): chr1-99910817-C-CT. GRCh37 (hg19) VCF-style: chr1-100376373-C-CT.
Other names: c.3807dup, p.Arg1270Terfs (NM_000028.3, NM_000643.3, NM_000644.3 and 1 more transcripts); c.3759dup, p.Arg1254Terfs (NM_000646.3); c.3786dup, p.Arg1263Terfs (NM_001425326.1); c.3606dup, p.Arg1203Terfs (NM_001425327.1); c.3603dup, p.Arg1202Terfs (NM_001425328.1); c.3468dup, p.Arg1157Terfs (NM_001425329.1); c.3429dup, p.Arg1144Terfs (NM_001425332.1); short protein forms R1254*, R1270*.
Identifiers: ClinVar variation 371112 (VCV000371112.9), dbSNP rs1057517017, ClinGen allele CA16040845.

ClinVar aggregate classification (germline): Pathogenic/Likely pathogenic. Review status: criteria provided, multiple submitters, no conflicts (2 of 4 stars). 3 submissions from 3 submitters: Pathogenic (1); Likely pathogenic (1). 1 of the submissions does not count toward it. Last evaluated 2025-12-26.

Conditions:
Glycogen storage disease type III (GSD3). Also called: Cori disease; FORBES DISEASE. Identifiers: Orphanet 366, MedGen C0017922, MONDO:0009291, OMIM 232400.

Submissions (3):

Labcorp Genetics (formerly Invitae), Labcorp
Classification: Pathogenic for Glycogen storage disease type III. Last evaluated: 2025-12-26. Review status: criteria provided, single submitter. Criteria: Invitae Variant Classification Sherloc (09022015). Collection method: clinical testing. Allele origin: germline.
Comment: This sequence change creates a premature translational stop signal (p.Arg1270*) in the AGL gene. It is expected to result in an absent or disrupted protein product. Loss-of-function variants in AGL are known to be pathogenic (PMID: 19299494). This variant is not present in population databases (gnomAD no frequency). This variant has not been reported in the literature in individuals affected with AGL-related conditions. ClinVar contains an entry for this variant (Variation ID: 371112). For these reasons, this variant has been classified as Pathogenic.

Genome-Nilou Lab
Classification: Likely pathogenic for Glycogen storage disease type III. Last evaluated: 2023-04-11. Review status: criteria provided, single submitter. Criteria: ACMG Guidelines, 2015. Collection method: clinical testing. Allele origin: germline. Affected: no.

Counsyl
Classification: Likely pathogenic for Glycogen storage disease type III. Last evaluated: 2016-06-30. Review status: no assertion criteria provided. Collection method: clinical testing. Allele origin: unknown. Not counted in ClinVar's aggregate classification.

Literature cited by the submitters: PubMed 19299494 (cited by Labcorp Genetics (formerly Invitae), Labcorp).